The following is an entry in ClinVar:

ClinVar aggregate classification (germline): Uncertain significance (0 of 4 stars; one submission).

Conditions:
ATP1A2-related disorder. Also called: ATP1A2-RELATED DISORDERS; ATP1A2-related condition.

Submission:

PreventionGenetics, part of Exact Sciences
Classification: Uncertain significance for ATP1A2-related condition. Last evaluated: 2024-08-15. Review status: no assertion criteria provided. Collection method: clinical testing. Allele origin: germline.
Comment: The ATP1A2 c.2356C>T variant is predicted to result in the amino acid substitution p.Pro786Ser. To our knowledge, this variant has not been reported in the literature. At this time, the clinical significance of this variant is uncertain due to the absence of conclusive functional and genetic evidence.

NM_000702.4(ATP1A2):c.2356C>T (p.Pro786Ser)

Gene: ATP1A2 (ATPase Na+/K+ transporting subunit alpha 2; plus strand). Cytogenetic location: 1q23.2.
Variant type: single nucleotide variant.
Coding change: c.2356C>T on transcript NM_000702.4 (MANE Select); coding-DNA position 2356, C replaced by T.
Protein change: p.Pro786Ser; replaces proline 786 with serine.
Molecular consequence: missense variant.
Genome position (GRCh38, 1-based): chr1:160,135,910, C>T. VCF-style: chr1-160135910-C-T. GRCh37 (hg19) VCF-style: chr1-160105700-C-T.
Other names: short protein forms P786S.
Identifiers: ClinVar variation 3345063 (VCV003345063.1).